The following is an entry in ClinVar:

NM_016222.4(DDX41):c.138+2T>G

Gene: DDX41 (DEAD-box helicase 41; minus strand). Cytogenetic location: 5q35.3.
Variant type: single nucleotide variant.
Coding change: c.138+2T>G on transcript NM_016222.4 (MANE Select); the canonical splice donor site of the intron after coding-DNA position 138, T replaced by G.
Molecular consequence: splice donor variant. On other transcripts: 5 prime UTR variant (1).
Genome position (GRCh38, 1-based): chr5:177,516,723, A>C on the plus strand (T>G on the coding strand, the complement: DDX41 is on the minus strand). VCF-style: chr5-177516723-A-C. GRCh37 (hg19) VCF-style: chr5-176943724-A-C.
Other names: c.-516T>G (NM_001321732.2); c.-310+2T>G (NM_001321830.2).
Identifiers: ClinVar variation 5035163 (VCV005035163.1).
Genomic context (GRCh38, chr5:177,516,723, plus strand): 5'-ACGCCCGCCCCCTGCGACCCCGCGGTCACGGCCCCATCCCTCCCCGGACGCGTGCCCCTC[A>C]CCAGTAGCTGCCGGCGCTGCCGTAACGGCACATAGGGCACGTAGTCCTCGTCGTCCTCAT-3'

ClinVar aggregate classification (germline): Uncertain significance (1 of 4 stars; one submission).

Conditions:
Inborn genetic diseases. Identifiers: MedGen C0950123, MeSH D030342.

Submission:

Ambry Genetics
Classification: Uncertain significance for Inborn genetic diseases. Last evaluated: 2026-08-13. Review status: criteria provided, single submitter. Criteria: Ambry Variant Classification Scheme 2023. Collection method: clinical testing. Allele origin: germline.
Comment: The c.138+2T>G intronic variant results from a T to G substitution two nucleotides after coding exon 2 in the DDX41 gene. Variants that disrupt the canonical splice site are expected to result in aberrant splicing. In silico splice site analysis predicts that this alteration will weaken the native splice donor site. A resulting transcript is predicted to be in-frame and is not expected to trigger nonsense-mediated mRNAdecay; although, direct evidence is unavailable. This nucleotide position is highly conserved in available vertebrate species. Based on the available evidence, the clinical significance of this variant remains unclear.